The following is an entry in ClinVar:

NM_015107.3(PHF8):c.368dup (p.Pro124fs)

Gene: PHF8 (PHD finger protein 8; minus strand). Cytogenetic location: Xp11.22.
Variant type: Duplication.
Coding change: c.368dup on transcript NM_015107.3 (MANE Select); coding-DNA position 368, one base duplicated (T; older notation c.368dupT).
Protein change: p.Pro124fs; shifts the reading frame from proline 124.
Molecular consequence: frameshift variant.
Genome position (GRCh38, 1-based): chrX:54,017,747, A duplicated on the plus strand (T on the coding strand, the reverse complement: PHF8 is on the minus strand). VCF-style (leftmost placement, unchanged base first): chrX-54017746-C-CA. GRCh37 (hg19) VCF-style: chrX-54044179-C-CA.
Other names: c.476dup, p.Pro160fs (NM_001184896.1); c.368dup, p.Pro124fs (NM_001184897.2, NM_001184898.2); short protein forms P124fs, P160fs.
Identifiers: ClinVar variation 817490 (VCV000817490.1), dbSNP rs1603338257, ClinGen allele CA915951078.

ClinVar aggregate classification (germline): Pathogenic (1 of 4 stars; one submission).

Submission:

GeneDx
Classification: Pathogenic. Last evaluated: 2019-03-20. Review status: criteria provided, single submitter. Criteria: GeneDx Variant Classification (06012015). Collection method: clinical testing. Allele origin: germline. Affected: yes.
Comment: The c.368dupT variant in the PHF8 gene has not been reported previously as a pathogenic variantnor as a benign variant, to our knowledge. The c.368dupT variant causes a frameshift starting withcodon Proline 124, changes this amino acid to an Alanine residue, and creates a premature Stop codonat position 25 of the new reading frame, denoted p.Pro124AlafsX25. This variant is predicted to causeloss of normal protein function either through protein truncation or nonsense-mediated mRNA decay.The c.368dupT variant is not observed in large population cohorts (Lek et al., 2016). We interpretc.368dupT as a pathogenic variant.